The following is an entry in ClinVar:

ClinVar aggregate classification (germline): Pathogenic. Review status: criteria provided, multiple submitters, no conflicts (2 of 4 stars). 2 submissions from 2 submitters: Pathogenic (2). Last evaluated 2026-04-29.

Submissions (2):

GeneDx
Classification: Pathogenic. Last evaluated: 2026-04-29. Review status: criteria provided, single submitter. Criteria: GeneDx Variant Classification Process June 2021. Collection method: clinical testing. Allele origin: germline.
Comment: Frameshift variant predicted to result in protein truncation or nonsense mediated decay in a gene for which loss of function is a known mechanism of disease; Not observed at significant frequency in large population cohorts (gnomAD); This variant is associated with the following publications: (PMID: 29689137, 30671974, 33425341, 28391250, 41671913)

Labcorp Genetics (formerly Invitae), Labcorp
Classification: Pathogenic. Last evaluated: 2026-01-28. Review status: criteria provided, single submitter. Criteria: Invitae Variant Classification Sherloc (09022015). Collection method: clinical testing. Allele origin: germline.
Comment: This sequence change creates a premature translational stop signal (p.Ser84Cysfs*21) in the PROSC gene. It is expected to result in an absent or disrupted protein product. Loss-of-function variants in PROSC are known to be pathogenic (PMID: 27912044). This variant is present in population databases (no rsID available, gnomAD 0.002%). This premature translational stop signal has been observed in individual(s) with pyridoxine-dependent epilepsy (PMID: 28391250). In at least one individual the data is consistent with being in trans (on the opposite chromosome) from a pathogenic variant. ClinVar contains an entry for this variant (Variation ID: 2136656). For these reasons, this variant has been classified as Pathogenic.

Literature cited by the submitters: PubMed 27912044 (cited by Labcorp Genetics (formerly Invitae), Labcorp); PubMed 28391250 (cited by Labcorp Genetics (formerly Invitae), Labcorp).

NM_007198.4(PLPBP):c.249_252del (p.Ser84fs)

Gene: PLPBP (pyridoxal phosphate binding protein; plus strand). Cytogenetic location: 8p11.23.
Variant type: Deletion.
Coding change: c.249_252del on transcript NM_007198.4 (MANE Select); coding-DNA positions 249 to 252, 4 bases deleted (GTCT; older notation c.249_252delGTCT).
Protein change: p.Ser84fs; shifts the reading frame from serine 84.
Molecular consequence: frameshift variant.
Genome position (GRCh38, 1-based): chr8:37,766,285-37,766,288, GTCT deleted; deleting any 4 consecutive bases within chr8:37,766,282-37,766,288 gives the same sequence; the c. name uses the placement nearest the transcript's 3' end. VCF-style (leftmost placement, unchanged base first): chr8-37766281-TTCTG-T. GRCh37 (hg19) VCF-style: chr8-37623799-TTCTG-T.
Other names: c.249_252del, p.Ser84fs (NM_001349346.2); c.243_246del, p.Ser82fs (NM_001349347.2); c.93_96del, p.Ser32fs (NM_001349348.2); c.354_357del, p.Ser119fs (NM_001349349.1); c.249_252del (NM_007198.3); short protein forms S32fs, S82fs, S84fs, S119fs.
Identifiers: ClinVar variation 2136656 (VCV002136656.6), dbSNP rs1323938116, ClinGen allele CA581101185.